The following is an entry in ClinVar:

NM_000829.4(GRIA4):c.2047-16T>C

Gene: GRIA4 (glutamate ionotropic receptor AMPA type subunit 4; plus strand). Cytogenetic location: 11q22.3.
Variant type: single nucleotide variant.
Coding change: c.2047-16T>C on transcript NM_000829.4 (MANE Select); 16 bases into the intron before coding-DNA position 2047, T replaced by C.
Molecular consequence: intron variant.
Genome position (GRCh38, 1-based): chr11:105,933,706, T>C. VCF-style: chr11-105933706-T-C. GRCh37 (hg19) VCF-style: chr11-105804432-T-C.
Other names: c.2047-16T>C (NM_001077243.3).
Identifiers: ClinVar variation 2627147 (VCV002627147.1), dbSNP rs1262557053, ClinGen allele CA601671299.
Genomic context (GRCh38, chr11:105,933,706, plus strand): 5'-TCTTATCTTGGTTCAGCGAATATTAACATGTTGTTCCCTTCTTTCCTGTATTTAATTTTA[T>C]TTTAATTTCCTCCAGAGATCAAAAATAGCAGTGTATGAAAAGATGTGGACCTACATGCGA-3'

ClinVar aggregate classification (germline): Likely benign (1 of 4 stars; one submission).

Allele frequency attached by ClinVar (database versions not stated): gnomAD exomes 0.00001; TOPMed 0.00002.
gnomAD v4.1: 10 of 1,521,624 alleles (0.00066%); highest among the groups gnomAD compares: Admixed American, 0.002%; no homozygotes.

Submission:

Women's Health and Genetics/Laboratory Corporation of America, LabCorp
Classification: Likely benign. Last evaluated: 2023-09-07. Review status: criteria provided, single submitter. Criteria: LabCorp Variant Classification Summary - May 2015. Collection method: clinical testing. Allele origin: germline.
Comment: Variant summary: GRIA4 c.2047-16T>C alters a conserved nucleotide located at a position not widely known to affect splicing. Consensus agreement among computation tools predict no significant impact on normal splicing. However, these predictions have yet to be confirmed by functional studies. The variant allele was found at a frequency of 6.4e-06 in 157050 control chromosomes (gnomAD). The available data on variant occurrences in the general population are insufficient to allow any conclusion about variant significance. To our knowledge, no occurrence of c.2047-16T>C in individuals affected with Neurodevelopmental Disorder With Or Without Seizures And Gait Abnormalities and no experimental evidence demonstrating its impact on protein function have been reported. No submitters have cited clinical-significance assessments for this variant to ClinVar after 2014. Based on the evidence outlined above, the variant was classified as likely benign.